The following is an entry in ClinVar:

NM_001042492.3(NF1):c.4247del (p.Pro1416fs)

Gene: NF1 (neurofibromin 1; plus strand). Cytogenetic location: 17q11.2.
Variant type: Deletion.
Coding change: c.4247del on transcript NM_001042492.3 (MANE Select); coding-DNA position 4247, one base deleted (C; older notation c.4247delC).
Protein change: p.Pro1416fs; shifts the reading frame from proline 1416.
Molecular consequence: frameshift variant.
Genome position (GRCh38, 1-based): chr17:31,258,417, C deleted; the last of 2 consecutive C bases (chr17:31,258,416-31,258,417); deleting either gives the same sequence. VCF-style (leftmost placement, unchanged base first): chr17-31258415-TC-T. GRCh37 (hg19) VCF-style: chr17-29585433-TC-T.
Other names: c.4184del, p.Pro1395fs (NM_000267.4); short protein forms P1395fs, P1416fs.
Identifiers: ClinVar variation 5042288 (VCV005042288.1).

ClinVar aggregate classification (germline): Pathogenic (1 of 4 stars; one submission).

Conditions:
Neurofibromatosis, type 1 (NF1). Also called: VON RECKLINGHAUSEN DISEASE; NEUROFIBROMATOSIS, TYPE I, SOMATIC; Peripheral type neurofibromatosis; Neurofibromatosis, type I. Identifiers: Orphanet 636, MedGen C0027831, MONDO:0018975, OMIM 162200. Disease mechanism: loss of function.

Submission:

Myriad Genetics, Inc.
Classification: Pathogenic for Neurofibromatosis, type 1. Last evaluated: 2026-09-14. Review status: criteria provided, single submitter. Criteria: Myriad Autosomal Dominant, Autosomal Recessive and X-Linked Classification Criteria (2023). Collection method: clinical testing. Allele origin: unknown.
Comment: This variant is considered pathogenic. This variant creates a frameshift predicted to result in premature protein truncation.